The following is an entry in ClinVar:

ClinVar aggregate classification (germline): Uncertain significance (1 of 4 stars; one submission).

Submission:

Labcorp Genetics (formerly Invitae), Labcorp
Classification: Uncertain significance. Last evaluated: 2021-03-10. Review status: criteria provided, single submitter. Criteria: Invitae Variant Classification Sherloc (09022015). Collection method: clinical testing. Allele origin: germline.
Comment: In summary, the available evidence is currently insufficient to determine the role of this variant in disease. Therefore, it has been classified as a Variant of Uncertain Significance. Algorithms developed to predict the effect of missense changes on protein structure and function are either unavailable or do not agree on the potential impact of this missense change (SIFT: "Deleterious"; PolyPhen-2: "Probably Damaging"; Align-GVGD: "Class C0"). This variant has not been reported in the literature in individuals with POLE-related conditions. This variant is not present in population databases (ExAC no frequency). This sequence change replaces cysteine with tyrosine at codon 2187 of the POLE protein (p.Cys2187Tyr). The cysteine residue is highly conserved and there is a large physicochemical difference between cysteine and tyrosine.

NM_006231.4(POLE):c.6560G>A (p.Cys2187Tyr)

Gene: POLE (DNA polymerase epsilon, catalytic subunit; minus strand). Cytogenetic location: 12q24.33.
Variant type: single nucleotide variant.
Coding change: c.6560G>A on transcript NM_006231.4 (MANE Select); coding-DNA position 6560, G replaced by A.
Protein change: p.Cys2187Tyr; replaces cysteine 2187 with tyrosine.
Molecular consequence: missense variant.
Genome position (GRCh38, 1-based): chr12:132,625,742, C>T on the plus strand (G>A on the coding strand, the complement: POLE is on the minus strand). VCF-style: chr12-132625742-C-T. GRCh37 (hg19) VCF-style: chr12-133202328-C-T.
Other names: short protein forms C2187Y.
Identifiers: ClinVar variation 1431797 (VCV001431797.8), dbSNP rs2138428350, ClinGen allele CA387366846.